The following is an entry in ClinVar:

ClinVar aggregate classification (germline): Uncertain significance (1 of 4 stars; one submission).

gnomAD v4.1: 16 of 1,559,442 alleles (0.001%); highest among the groups gnomAD compares: Non-Finnish European, 0.0014%; no homozygotes.

Submission:

CeGaT Center for Human Genetics Tuebingen
Classification: Uncertain significance. Last evaluated: 2026-02-01. Review status: criteria provided, single submitter. Criteria: CeGaT Center For Human Genetics Tuebingen Variant Classification Criteria Version 2. Collection method: clinical testing. Allele origin: germline. Affected: yes. Observed: 1 variant allele.
Comment: TBX4: PM2, PP3

NM_001321120.2(TBX4):c.44G>T (p.Arg15Leu)

Gene: TBX4 (T-box transcription factor 4; plus strand). Cytogenetic location: 17q23.2.
Variant type: single nucleotide variant.
Coding change: c.44G>T on transcript NM_001321120.2 (MANE Select); coding-DNA position 44, G replaced by T.
Protein change: p.Arg15Leu; replaces arginine 15 with leucine.
Molecular consequence: missense variant.
Genome position (GRCh38, 1-based): chr17:61,456,534, G>T. VCF-style: chr17-61456534-G-T. GRCh37 (hg19) VCF-style: chr17-59533895-G-T.
Other names: c.44G>T, p.Arg15Leu (NM_018488.3); short protein forms R15L.
Identifiers: ClinVar variation 4821938 (VCV004821938.4).